The following is an entry in ClinVar:

NM_002972.4(SBF1):c.2116G>A (p.Ala706Thr)

Gene: SBF1 (SET binding factor 1; minus strand). Cytogenetic location: 22q13.33.
Variant type: single nucleotide variant.
Coding change: c.2116G>A on transcript NM_002972.4 (MANE Select); coding-DNA position 2116, G replaced by A.
Protein change: p.Ala706Thr; replaces alanine 706 with threonine.
Molecular consequence: missense variant.
Genome position (GRCh38, 1-based): chr22:50,462,570, C>T on the plus strand (G>A on the coding strand, the complement: SBF1 is on the minus strand). VCF-style: chr22-50462570-C-T. GRCh37 (hg19) VCF-style: chr22-50900999-C-T.
Other names: c.2119G>A, p.Ala707Thr (NM_001365819.1); short protein forms A706T, A707T.
Identifiers: ClinVar variation 1345770 (VCV001345770.3), dbSNP rs770899422, ClinGen allele CA10317363.
Genomic context (GRCh38, chr22:50,462,570, plus strand): 5'-TGCCCCAGCCCCTAGCCCCCAGCCCCCAGCCCAGGGAGTCCCTGCGCACCTGGGCGGGGG[C>T]CAGGTCCTCCGTGGGCTCCAGGTAGAGGGCCCGGATGTGAGTCTGCACATCCCCATAGAA-3'
Protein context (NP_002963.2, residues 696-716): ALYLEPTEDL[Ala706Thr]PAQEVGEAPS

ClinVar aggregate classification (germline): Uncertain significance (1 of 4 stars; one submission).

Allele frequency attached by ClinVar (database versions not stated): gnomAD exomes below 0.00001 and 0.00001; TOPMed below 0.00001; ExAC 0.00001.
gnomAD v4.1: 6 of 1,611,562 alleles (0.00037%); highest among the groups gnomAD compares: Non-Finnish European, 0.00051%; no homozygotes.

Submission:

Labcorp Genetics (formerly Invitae), Labcorp
Classification: Uncertain significance. Last evaluated: 2021-08-13. Review status: criteria provided, single submitter. Criteria: Invitae Variant Classification Sherloc (09022015). Collection method: clinical testing. Allele origin: germline.
Comment: This sequence change replaces alanine with threonine at codon 706 of the SBF1 protein (p.Ala706Thr). The alanine residue is weakly conserved and there is a small physicochemical difference between alanine and threonine. This variant is present in population databases (rs770899422, ExAC 0.002%). This variant has not been reported in the literature in individuals affected with SBF1-related conditions. Algorithms developed to predict the effect of missense changes on protein structure and function (SIFT, PolyPhen-2, Align-GVGD) all suggest that this variant is likely to be tolerated. In summary, the available evidence is currently insufficient to determine the role of this variant in disease. Therefore, it has been classified as a Variant of Uncertain Significance.